The following is an entry in ClinVar:

NM_001151.4(SLC25A4):c.436G>A (p.Gly146Ser)

Gene: SLC25A4 (solute carrier family 25 member 4; plus strand). Cytogenetic location: 4q35.1.
Variant type: single nucleotide variant.
Coding change: c.436G>A on transcript NM_001151.4 (MANE Select); coding-DNA position 436, G replaced by A.
Protein change: p.Gly146Ser; replaces glycine 146 with serine.
Molecular consequence: missense variant.
Genome position (GRCh38, 1-based): chr4:185,145,088, G>A. VCF-style: chr4-185145088-G-A. GRCh37 (hg19) VCF-style: chr4-186066242-G-A.
Other names: short protein forms G146S.
Identifiers: ClinVar variation 2588923 (VCV002588923.5), dbSNP rs2477169407, ClinGen allele CA358896617.
Genomic context (GRCh38, chr4:185,145,088, plus strand): 5'-ACCTCCCTTTGCTTTGTCTACCCGCTGGACTTTGCTAGGACCAGGTTGGCTGCTGATGTG[G>A]GCAAGGGCGCCGCCCAGCGTGAGTTCCATGGTCTGGGCGACTGTATCATCAAGATCTTCA-3'
Protein context (NP_001142.2, residues 136-156): FARTRLAADV[Gly146Ser]KGAAQREFHG

ClinVar aggregate classification (germline): Uncertain significance. Review status: criteria provided, multiple submitters, no conflicts (2 of 4 stars). 3 submissions from 3 submitters: Uncertain significance (3). Last evaluated 2024-10-26.

Conditions:
Inborn genetic diseases. Identifiers: MedGen C0950123, MeSH D030342.

Submissions (3):

Labcorp Genetics (formerly Invitae), Labcorp
Classification: Uncertain significance. Last evaluated: 2024-10-26. Review status: criteria provided, single submitter. Criteria: Invitae Variant Classification Sherloc (09022015). Collection method: clinical testing. Allele origin: germline.
Comment: This sequence change replaces glycine, which is neutral and non-polar, with serine, which is neutral and polar, at codon 146 of the SLC25A4 protein (p.Gly146Ser). This variant is not present in population databases (gnomAD no frequency). This variant has not been reported in the literature in individuals affected with SLC25A4-related conditions. ClinVar contains an entry for this variant (Variation ID: 2588923). An algorithm developed to predict the effect of missense changes on protein structure and function (PolyPhen-2) suggests that this variant is likely to be disruptive. In summary, the available evidence is currently insufficient to determine the role of this variant in disease. Therefore, it has been classified as a Variant of Uncertain Significance.

Revvity Omics, Revvity
Classification: Uncertain significance. Last evaluated: 2024-10-03. Review status: criteria provided, single submitter. Criteria: ACMG Guidelines, 2015. Collection method: clinical testing. Allele origin: germline.

Ambry Genetics
Classification: Uncertain significance for Inborn genetic diseases. Last evaluated: 2023-09-13. Review status: criteria provided, single submitter. Criteria: Ambry Variant Classification Scheme 2023. Collection method: clinical testing. Allele origin: germline.